The following is an entry in ClinVar:

ClinVar aggregate classification (germline): Likely benign. Review status: criteria provided, multiple submitters, no conflicts (2 of 4 stars). 3 submissions from 3 submitters: Likely benign (2). 1 of the submissions does not count toward it. Last evaluated 2025-09-08.

Conditions:
GAA-related disorder. Also called: GAA-related condition.

Allele frequency attached by ClinVar (database versions not stated): gnomAD below 0.00001 and 0.00003; ExAC 0.00010; TOPMed 0.00002; gnomAD exomes 0.00004 and 0.00009.
gnomAD v4.1: 64 of 1,608,292 alleles (0.004%); highest among the groups gnomAD compares: South Asian, 0.069%; 1 homozygote.

Submissions (3):

Mayo Clinic Laboratories, Mayo Clinic
Classification: Likely benign. Last evaluated: 2025-09-08. Review status: criteria provided, single submitter. Criteria: ACMG Guidelines, 2015. Collection method: clinical testing. Allele origin: germline. Observed: 1 variant allele.
Comment: BP4, BP7

GeneDx
Classification: Likely benign. Last evaluated: 2018-06-19. Review status: criteria provided, single submitter. Criteria: GeneDx Variant Classification (06012015). Collection method: clinical testing. Allele origin: germline. Affected: yes.
Comment: This variant is considered likely benign or benign based on one or more of the following criteria: it is a conservative change, it occurs at a poorly conserved position in the protein, it is predicted to be benign by multiple in silico algorithms, and/or has population frequency not consistent with disease.

PreventionGenetics, part of Exact Sciences
Classification: Likely benign for GAA-related condition. Last evaluated: 2024-09-18. Review status: no assertion criteria provided. Collection method: clinical testing. Allele origin: germline. Not counted in ClinVar's aggregate classification.
Comment: This variant is classified as likely benign based on ACMG/AMP sequence variant interpretation guidelines (Richards et al. 2015 PMID: 25741868, with internal and published modifications).

NM_000152.5(GAA):c.-9T>C

Gene: GAA (alpha glucosidase; plus strand). Cytogenetic location: 17q25.3.
Variant type: single nucleotide variant.
Coding change: c.-9T>C on transcript NM_000152.5 (MANE Select); 9 bases upstream of the start codon, T replaced by C.
Molecular consequence: 5 prime UTR variant.
Genome position (GRCh38, 1-based): chr17:80,104,578, T>C. VCF-style: chr17-80104578-T-C. GRCh37 (hg19) VCF-style: chr17-78078377-T-C.
Other names: c.-9T>C (NM_000152.4, NM_001079803.3, NM_001079804.3).
Identifiers: ClinVar variation 672170 (VCV000672170.3), dbSNP rs780064272, ClinGen allele CA8814752.